The following is an entry in ClinVar:

NM_001848.3(COL6A1):c.*729C>T

Gene: COL6A1 (collagen type VI alpha 1 chain; plus strand). Cytogenetic location: 21q22.3.
Variant type: single nucleotide variant.
Coding change: c.*729C>T on transcript NM_001848.3 (MANE Select); 729 bases downstream of the stop codon, C replaced by T.
Molecular consequence: 3 prime UTR variant.
Genome position (GRCh38, 1-based): chr21:46,004,742, C>T. VCF-style: chr21-46004742-C-T. GRCh37 (hg19) VCF-style: chr21-47424656-C-T.
Identifiers: ClinVar variation 340350 (VCV000340350.5), dbSNP rs201623355, ClinGen allele CA10071151.
Genomic context (GRCh38, chr21:46,004,742, plus strand): 5'-GTGACCGGCCTGGACCTTGGCCCTACAGCCCTGGAGGCCGCTGCTGACCAGCACTGACCC[C>T]GACCTCAGAGAGTACTCGCAGGGGCGCTGGCTGCACTCAAGACCCTCGAGATTAACGGTG-3'

ClinVar aggregate classification (germline): Benign (1 of 4 stars; one submission).

Conditions:
Collagen 6-related myopathy. Identifiers: MedGen CN117976, MONDO:0100225.

Allele frequency attached by ClinVar (database versions not stated): ExAC below 0.00001; gnomAD exomes 0.00009 and 0.00013; TOPMed 0.00011; gnomAD 0.00012 and 0.00016; 1000 Genomes Project 30x 0.00047; 1000 Genomes Project 0.00060.
gnomAD v4.1: 52 of 445,506 alleles (0.012%); highest among the groups gnomAD compares: East Asian, 0.2%; no homozygotes.

Submission:

Illumina Laboratory Services, Illumina
Classification: Benign for Collagen VI-related myopathy. Last evaluated: 2018-01-13. Review status: criteria provided, single submitter. Criteria: ICSL Variant Classification Criteria 13 December 2019. Collection method: clinical testing. Allele origin: germline.
Comment: This variant was observed in the ICSL laboratory as part of a predisposition screen in an ostensibly healthy population. It had not been previously curated by ICSL or reported in the Human Gene Mutation Database (HGMD: prior to June 1st, 2018), and was therefore a candidate for classification through an automated scoring system. Utilizing variant allele frequency, disease prevalence and penetrance estimates, and inheritance mode, an automated score was calculated to assess if this variant is too frequent to cause the disease. Based on the score and internal cut-off values, a variant classified as benign is not then subjected to further curation. The score for this variant resulted in a classification of benign for this disease.